The following is an entry in ClinVar:

NM_206933.4(USH2A):c.13272C>A (p.Cys4424Ter)

Gene: USH2A (usherin; minus strand). Cytogenetic location: 1q41.
Variant type: single nucleotide variant.
Coding change: c.13272C>A on transcript NM_206933.4 (MANE Select); coding-DNA position 13272, C replaced by A.
Protein change: p.Cys4424Ter; replaces cysteine 4424 with a stop codon.
Molecular consequence: nonsense.
Genome position (GRCh38, 1-based): chr1:215,674,639, G>T on the plus strand (C>A on the coding strand, the complement: USH2A is on the minus strand). VCF-style: chr1-215674639-G-T. GRCh37 (hg19) VCF-style: chr1-215847981-G-T.
Other names: short protein forms C4424*.
Identifiers: ClinVar variation 958281 (VCV000958281.10), dbSNP rs1657939866, ClinGen allele CA344845919.

ClinVar aggregate classification (germline): Pathogenic/Likely pathogenic. Review status: criteria provided, multiple submitters, no conflicts (2 of 4 stars). 4 submissions from 4 submitters: Pathogenic (2); Likely pathogenic (1). 1 of the submissions does not count toward it. Last evaluated 2024-05-08.

Conditions:
Usher syndrome type 2. Also called: Usher Syndrome Type II. Identifiers: Orphanet 231178, MedGen C0339534, MONDO:0016484.
USH2A-related disorder. Also called: USH2A-related disorders; USH2A-related condition. Identifiers: MedGen CN239332.
Retinitis pigmentosa 39 (RP39). Identifiers: Orphanet 791, MedGen C3151138, MONDO:0013436, OMIM 613809.

Submissions (4):

Myriad Genetics, Inc.
Classification: Pathogenic for USH2A-related disorder. Last evaluated: 2024-05-08. Review status: criteria provided, single submitter. Criteria: Myriad Autosomal Dominant, Autosomal Recessive and X-Linked Classification Criteria (2023). Collection method: clinical testing. Allele origin: unknown.
Comment: NM_206933.2(USH2A):c.13272C>A(C4424*) is expected to be pathogenic in the context of USH2A-related disorders. This variant is predicted to lead to an abnormal or absent protein product due to the creation of a premature termination codon in USH2A, a gene where loss-of-function variants are known to be pathogenic. Please note: this variant was assessed in the context of healthy population screening.

Baylor Genetics
Classification: Likely pathogenic for Retinitis pigmentosa 39. Last evaluated: 2023-02-24. Review status: criteria provided, single submitter. Criteria: ACMG Guidelines, 2015. Collection method: clinical testing. Allele origin: unknown.

Labcorp Genetics (formerly Invitae), Labcorp
Classification: Pathogenic. Last evaluated: 2022-05-15. Review status: criteria provided, single submitter. Criteria: Invitae Variant Classification Sherloc (09022015). Collection method: clinical testing. Allele origin: germline.
Comment: This sequence change creates a premature translational stop signal (p.Cys4424*) in the USH2A gene. It is expected to result in an absent or disrupted protein product. Loss-of-function variants in USH2A are known to be pathogenic (PMID: 10729113, 10909849, 20507924, 25649381). This variant is not present in population databases (gnomAD no frequency). For these reasons, this variant has been classified as Pathogenic. ClinVar contains an entry for this variant (Variation ID: 958281). This variant has not been reported in the literature in individuals affected with USH2A-related conditions.

Ophthalmo-Genetics Lab, Instituto de Oftalmologia Conde de Valenciana
Classification: Pathogenic for Usher syndrome type 2. Last evaluated: 2022-11-14. Review status: no assertion criteria provided. Collection method: clinical testing. Allele origin: germline. Inheritance: Autosomal recessive inheritance. Affected: yes. Observed: 1 heterozygote. Not counted in ClinVar's aggregate classification.
Comment: Novel pathogenic variant. PVS1, PM2, PP5.

Literature cited by the submitters: PubMed 10729113 (cited by Labcorp Genetics (formerly Invitae), Labcorp); PubMed 10909849 (cited by Labcorp Genetics (formerly Invitae), Labcorp); PubMed 20507924 (cited by Labcorp Genetics (formerly Invitae), Labcorp); PubMed 25649381 (cited by Labcorp Genetics (formerly Invitae), Labcorp); PubMed 35076463 (cited by Ophthalmo-Genetics Lab, Instituto de Oftalmologia Conde de Valenciana).